The following is an entry in ClinVar:

ClinVar aggregate classification (germline): Benign/Likely benign. Review status: criteria provided, multiple submitters, no conflicts (2 of 4 stars). 4 submissions from 4 submitters: Benign (1); Likely benign (3). Last evaluated 2025-10-24.

Conditions:
Tuberous sclerosis 2 (TSC2). Identifiers: Orphanet 805, MedGen C1860707, MONDO:0013199, OMIM 613254.
Tuberous sclerosis syndrome (TSC). Also called: Tuberous Sclerosis Complex; Tuberous sclerosis. Identifiers: Orphanet 805, MedGen C0041341, MONDO:0001734.
Hereditary cancer-predisposing syndrome. Also called: Hereditary neoplastic syndrome; Tumor predisposition; Hereditary Cancer Syndrome; Neoplastic Syndromes, Hereditary. Identifiers: Orphanet 140162, MedGen C0027672, MeSH D009386, MONDO:0015356.

Allele frequency attached by ClinVar (database versions not stated): gnomAD exomes below 0.00001.

Submissions (4):

Labcorp Genetics (formerly Invitae), Labcorp
Classification: Likely benign for Tuberous sclerosis 2. Last evaluated: 2025-10-24. Review status: criteria provided, single submitter. Criteria: Invitae Variant Classification Sherloc (09022015). Collection method: clinical testing. Allele origin: germline.

Myriad Genetics, Inc.
Classification: Benign for Tuberous sclerosis 2. Last evaluated: 2025-06-09. Review status: criteria provided, single submitter. Criteria: Myriad Autosomal Dominant, Autosomal Recessive and X-Linked Classification Criteria (2023). Collection method: clinical testing. Allele origin: unknown.
Comment: This variant is considered benign. This variant is a silent/synonymous amino acid change and it is not expected to impact splicing.

All of Us Research Program, National Institutes of Health
Classification: Likely benign for Tuberous sclerosis syndrome. Last evaluated: 2023-04-03. Review status: criteria provided, single submitter. Criteria: ACMG Guidelines, 2015. Collection method: clinical testing. Allele origin: germline. Inheritance: Autosomal dominant inheritance. Observed: 1 variant allele, 1 heterozygote.
Comment: This study involves interpretation of variants in research participants for the purpose of population health screening. Participant phenotype was not available at the time of variant classification. Additional details can be found in publication PMID: 35346344, PMCID: PMC8962531

Ambry Genetics
Classification: Likely benign for Hereditary cancer-predisposing syndrome. Last evaluated: 2021-09-27. Review status: criteria provided, single submitter. Criteria: Ambry Variant Classification Scheme 2023. Collection method: clinical testing. Allele origin: germline.

NM_000548.5(TSC2):c.5403G>A (p.Glu1801=)

Gene: TSC2 (TSC complex subunit 2; plus strand). Cytogenetic location: 16p13.3.
Variant type: single nucleotide variant.
Coding change: c.5403G>A on transcript NM_000548.5 (MANE Select); coding-DNA position 5403, G replaced by A.
Protein change: p.Glu1801=; no amino-acid change (glutamic acid 1801 retained).
Molecular consequence: synonymous variant.
Genome position (GRCh38, 1-based): chr16:2,088,589, G>A. VCF-style: chr16-2088589-G-A. GRCh37 (hg19) VCF-style: chr16-2138590-G-A.
Other names: c.5202G>A, p.Glu1734= (NM_001077183.3); c.5334G>A, p.Glu1778= (NM_001114382.3); c.5094G>A, p.Glu1698= (NM_001318827.2); c.5058G>A, p.Glu1686= (NM_001318829.2); c.4671G>A, p.Glu1557= (NM_001318831.2); c.5235G>A, p.Glu1745= (NM_001318832.2); c.5205G>A, p.Glu1735= (NM_001363528.2); c.5271G>A, p.Glu1757= (NM_001370404.1); and 2 more.
Identifiers: ClinVar variation 578157 (VCV000578157.16), dbSNP rs1060500918, ClinGen allele CA493043841.
Genomic context (GRCh38, chr16:2,088,589, plus strand): 5'-AGCCGAGCCCACACCTGGCTATGAGGTGGGCCAGCGGAAGCGCCTCATCTCCTCGGTGGA[G>A]GACTTCACCGAGTTTGTGTGAGGCCGGGGCCCTCCCTCCTGCACTGGCCTTGGACGGTAT-3'
Protein context (NP_000539.2, residues 1791-1807): GQRKRLISSV[Glu1801=]DFTEFV